The following is an entry in ClinVar:

NM_001330260.2(SCN8A):c.3832A>T (p.Ser1278Cys)

Gene: SCN8A (sodium voltage-gated channel alpha subunit 8; plus strand). Cytogenetic location: 12q13.13.
Variant type: single nucleotide variant.
Coding change: c.3832A>T on transcript NM_001330260.2 (MANE Select); coding-DNA position 3832, A replaced by T.
Protein change: p.Ser1278Cys; replaces serine 1278 with cysteine.
Molecular consequence: missense variant. On other transcripts: intron variant (2).
Genome position (GRCh38, 1-based): chr12:51,780,661, A>T. VCF-style: chr12-51780661-A-T. GRCh37 (hg19) VCF-style: chr12-52174445-A-T.
Other names: c.3832A>T, p.Ser1278Cys (NM_014191.4); c.3820-5881A>T (NM_001177984.3, NM_001369788.1); short protein forms S1278C.
Identifiers: ClinVar variation 2085770 (VCV002085770.4), dbSNP rs1592159229, ClinGen allele CA384900861.

ClinVar aggregate classification (germline): Uncertain significance (1 of 4 stars; one submission).

Conditions:
Early-infantile DEE. Also called: Ohtahara syndrome; Early infantile epileptic encephalopathy with suppression bursts; Early infantile epileptic encephalopathy. Identifiers: Orphanet 1934, MedGen C0393706, MONDO:0800491.

Submission:

Labcorp Genetics (formerly Invitae), Labcorp
Classification: Uncertain significance for Early-infantile DEE. Last evaluated: 2022-01-16. Review status: criteria provided, single submitter. Criteria: Invitae Variant Classification Sherloc (09022015). Collection method: clinical testing. Allele origin: germline.
Comment: In summary, the available evidence is currently insufficient to determine the role of this variant in disease. Therefore, it has been classified as a Variant of Uncertain Significance. Algorithms developed to predict the effect of missense changes on protein structure and function are either unavailable or do not agree on the potential impact of this missense change (SIFT: "Deleterious"; PolyPhen-2: "Probably Damaging"; Align-GVGD: "Class C0"). This variant has not been reported in the literature in individuals affected with SCN8A-related conditions. This variant is not present in population databases (gnomAD no frequency). This sequence change replaces serine, which is neutral and polar, with cysteine, which is neutral and slightly polar, at codon 1278 of the SCN8A protein (p.Ser1278Cys).